The following is an entry in ClinVar:

ClinVar aggregate classification (germline): Uncertain significance. Review status: criteria provided, multiple submitters, no conflicts (2 of 4 stars). 3 submissions from 3 submitters: Uncertain significance (3). Last evaluated 2026-02-04.

Conditions:
Hereditary cancer-predisposing syndrome. Also called: Hereditary neoplastic syndrome; Neoplastic Syndromes, Hereditary; Tumor predisposition; Hereditary Cancer Syndrome. Identifiers: Orphanet 140162, MedGen C0027672, MeSH D009386, MONDO:0015356.
DICER1-related tumor predisposition. Also called: DICER1-related pleuropulmonary blastoma cancer predisposition syndrome; DICER1 syndrome. Identifiers: Orphanet 284343, MedGen C3839822, MONDO:0100216.
Global developmental delay - lung cysts - overgrowth - Wilms tumor syndrome. Also called: GLOW Syndrome; GLOBAL DEVELOPMENTAL DELAY, LUNG CYSTS, OVERGROWTH, AND WILMS TUMOR. Identifiers: Orphanet 404476, MedGen C4748924, MONDO:0018445, OMIM 618272.

Allele frequency attached by ClinVar (database versions not stated): ExAC 0.00001; gnomAD exomes 0.00001.
gnomAD v4.1: 17 of 1,614,200 alleles (0.0011%); highest among the groups gnomAD compares: Non-Finnish European, 0.0014%; no homozygotes.

Submissions (3):

Labcorp Genetics (formerly Invitae), Labcorp
Classification: Uncertain significance for DICER1-related tumor predisposition. Last evaluated: 2026-02-04. Review status: criteria provided, single submitter. Criteria: Invitae Variant Classification Sherloc (09022015). Collection method: clinical testing. Allele origin: germline.
Comment: This sequence change replaces histidine, which is basic and polar, with arginine, which is basic and polar, at codon 729 of the DICER1 protein (p.His729Arg). This variant is present in population databases (rs748084431, gnomAD 0.003%). This variant has not been reported in the literature in individuals affected with DICER1-related conditions. ClinVar contains an entry for this variant (Variation ID: 412098). Invitae Evidence Modeling of protein sequence and biophysical properties (such as structural, functional, and spatial information, amino acid conservation, physicochemical variation, residue mobility, and thermodynamic stability) indicates that this missense variant is not expected to disrupt DICER1 protein function with a negative predictive value of 95%. In summary, the available evidence is currently insufficient to determine the role of this variant in disease. Therefore, it has been classified as a Variant of Uncertain Significance.

Ambry Genetics
Classification: Uncertain significance for Hereditary cancer-predisposing syndrome. Last evaluated: 2025-11-08. Review status: criteria provided, single submitter. Criteria: Ambry Variant Classification Scheme 2023. Collection method: clinical testing. Allele origin: germline.
Comment: The p.H729R variant (also known as c.2186A>G), located in coding exon 13 of the DICER1 gene, results from an A to G substitution at nucleotide position 2186. The histidine at codon 729 is replaced by arginine, an amino acid with highly similar properties. This amino acid position is highly conserved in available vertebrate species. In addition, the in silico prediction for this alteration is inconclusive. Since supporting evidence is limited at this time, the clinical significance of this alteration remains unclear.

Baylor Genetics
Classification: Uncertain significance for Global developmental delay - lung cysts - overgrowth - Wilms tumor syndrome. Last evaluated: 2024-03-04. Review status: criteria provided, single submitter. Criteria: ACMG Guidelines, 2015. Collection method: clinical testing. Allele origin: unknown.

NM_177438.3(DICER1):c.2186A>G (p.His729Arg)

Gene: DICER1 (dicer 1, ribonuclease III; minus strand). Cytogenetic location: 14q32.13.
Variant type: single nucleotide variant.
Coding change: c.2186A>G on transcript NM_177438.3 (MANE Select); coding-DNA position 2186, A replaced by G.
Protein change: p.His729Arg; replaces histidine 729 with arginine.
Molecular consequence: missense variant.
Genome position (GRCh38, 1-based): chr14:95,111,387, T>C on the plus strand (A>G on the coding strand, the complement: DICER1 is on the minus strand). VCF-style: chr14-95111387-T-C. GRCh37 (hg19) VCF-style: chr14-95577724-T-C.
Other names: c.2186A>G, p.His729Arg (NM_001195573.1, NM_001271282.3, NM_001291628.2 and 1 more transcripts); short protein forms H729R.
Identifiers: ClinVar variation 412098 (VCV000412098.15), dbSNP rs748084431, ClinGen allele CA7331296.